The following is an entry in ClinVar:

ClinVar aggregate classification (germline): Benign/Likely benign. Review status: criteria provided, multiple submitters, no conflicts (2 of 4 stars). 4 submissions from 4 submitters: Benign (1); Likely benign (2). 1 of the submissions does not count toward it. Last evaluated 2025-12-06.

Conditions:
FGFR3-related disorder. Also called: FGFR3-related disorders.

Allele frequency attached by ClinVar (database versions not stated): ExAC 0.00053; 1000 Genomes Project 30x 0.00062; gnomAD 0.00040 and 0.00037; 1000 Genomes Project 0.00080; TOPMed 0.00007.
gnomAD v4.1: 440 of 1,609,004 alleles (0.027%); highest among the groups gnomAD compares: South Asian, 0.02%; 2 homozygotes.

Submissions (4):

Labcorp Genetics (formerly Invitae), Labcorp
Classification: Benign. Last evaluated: 2025-12-06. Review status: criteria provided, single submitter. Criteria: Invitae Variant Classification Sherloc (09022015). Collection method: clinical testing. Allele origin: germline.

Women's Health and Genetics/Laboratory Corporation of America, LabCorp
Classification: Likely benign. Last evaluated: 2024-06-07. Review status: criteria provided, single submitter. Criteria: LabCorp Variant Classification Summary - May 2015. Collection method: clinical testing. Allele origin: germline.
Comment: Variant summary: FGFR3 c.713G>A (p.Arg238Gln) results in a conservative amino acid change located in the Immunoglobulin-like domain (IPR007110) of the encoded protein sequence. Five of five in-silico tools predict a benign effect of the variant on protein function. The variant allele was found at a frequency of 0.00027 in 1609004 control chromosomes in the gnomAD database (i.e. over 400 individuals) , including 2 homozygotes. This frequency is inconsistent with the disease severity and onset for FGFR3-related conditions, suggesting the variant is likely benign. To our knowledge, no occurrence of c.713G>A in individuals affected with FGFR3-related conditions and no experimental evidence demonstrating its impact on protein function have been reported. ClinVar contains an entry for this variant (Variation ID: 784797). Based on the evidence outlined above, the variant was classified as likely benign.

GeneDx
Classification: Likely benign. Last evaluated: 2020-07-07. Review status: criteria provided, single submitter. Criteria: GeneDx Variant Classification Process June 2021. Collection method: clinical testing. Allele origin: germline. Affected: yes.

PreventionGenetics, part of Exact Sciences
Classification: Likely benign for FGFR3-related condition. Last evaluated: 2022-04-11. Review status: no assertion criteria provided. Collection method: clinical testing. Allele origin: germline. Not counted in ClinVar's aggregate classification.
Comment: This variant is classified as likely benign based on ACMG/AMP sequence variant interpretation guidelines (Richards et al. 2015 PMID: 25741868, with internal and published modifications).

NM_000142.5(FGFR3):c.713G>A (p.Arg238Gln)

Gene: FGFR3 (fibroblast growth factor receptor 3; plus strand). Cytogenetic location: 4p16.3.
Variant type: single nucleotide variant.
Coding change: c.713G>A on transcript NM_000142.5 (MANE Select); coding-DNA position 713, G replaced by A.
Protein change: p.Arg238Gln; replaces arginine 238 with glutamine.
Molecular consequence: missense variant. On other transcripts: non-coding transcript variant (1).
Genome position (GRCh38, 1-based): chr4:1,801,717, G>A. VCF-style: chr4-1801717-G-A. GRCh37 (hg19) VCF-style: chr4-1803444-G-A.
Other names: c.713G>A, p.Arg238Gln (NM_001163213.2, NM_001354809.2, NM_001354810.2 and 1 more transcripts); short protein forms R238Q.
Identifiers: ClinVar variation 784797 (VCV000784797.17), dbSNP rs199944818, ClinGen allele CA2809928.